The following is an entry in ClinVar:

NC_000016.9:g.(?_72134315)_(72146396_?)dup

Gene: DHX38 (DEAH-box helicase 38; plus strand). Cytogenetic location: 16q22.2.
Variant type: Duplication.
Identifiers: ClinVar variation 2425880 (VCV002425880.3).

ClinVar aggregate classification (germline): Uncertain significance (1 of 4 stars; one submission).

Submission:

Labcorp Genetics (formerly Invitae), Labcorp
Classification: Uncertain significance. Last evaluated: 2021-02-03. Review status: criteria provided, single submitter. Criteria: Invitae Variant Classification Sherloc (09022015). Collection method: clinical testing. Allele origin: germline.
Comment: This variant results in a copy number gain of the genomic region encompassing exon(s) 9-27 of the DHX38 gene. The 5' boundary is likely confined to intron 8. The 3' end of this event is unknown as it extends beyond the assayed region for this gene and therefore may encompass additional genes. As the precise location of this event is unknown, it may be in tandem or it may be located elsewhere in the genome. This variant has not been reported in the literature in individuals with DHX38-related conditions. Experimental studies and prediction algorithms are not available or were not evaluated, and the functional significance of this variant is currently unknown. In summary, the available evidence is currently insufficient to determine the role of this variant in disease. Therefore, it has been classified as a Variant of Uncertain Significance.